The following is an entry in ClinVar:

NM_000540.3(RYR1):c.13515T>G (p.Asp4505Glu)

Gene: RYR1 (ryanodine receptor 1; plus strand). Cytogenetic location: 19q13.2.
Variant type: single nucleotide variant.
Coding change: c.13515T>G on transcript NM_000540.3 (MANE Select); coding-DNA position 13515, T replaced by G.
Protein change: p.Asp4505Glu; replaces aspartic acid 4505 with glutamic acid.
Molecular consequence: missense variant.
Genome position (GRCh38, 1-based): chr19:38,567,773, T>G. VCF-style: chr19-38567773-T-G. GRCh37 (hg19) VCF-style: chr19-39058413-T-G.
Other names: c.13500T>G, p.Asp4500Glu (NM_001042723.2); short protein forms D4500E, D4505E.
Identifiers: ClinVar variation 4756851 (VCV004756851.1).

ClinVar aggregate classification (germline): Uncertain significance (1 of 4 stars; one submission).

Conditions:
Malignant hyperthermia, susceptibility to, 1 (MHS1). Also called: RYR1-Related Malignant Hyperthermia Susceptibility; Malignant hyperthermia suceptibility 1; Anesthesia related hyperthermia; Malignant hyperpyrexia; Fulminating hyperpyrexia; Pharmacogenic myopathy. Identifiers: Orphanet 423, MedGen C2930980, MONDO:0007783, OMIM 145600.

Submission:

Color Diagnostics, LLC DBA Color Health
Classification: Uncertain significance for Malignant hyperthermia, susceptibility to, 1. Last evaluated: 2025-06-23. Review status: criteria provided, single submitter. Criteria: ACMG Guidelines, 2015. Collection method: clinical testing. Allele origin: germline.
Comment: This missense variant replaces aspartic acid with glutamic acid at codon 4505 of the RYR1 protein. Computational prediction suggests that this variant may not impact protein structure and function. To our knowledge, functional studies have not been reported for this variant. This variant has not been reported in individuals affected with RYR1-related disorders in the literature. This variant has not been identified in the general population by the Genome Aggregation Database (gnomAD). The available evidence is insufficient to determine the role of this variant in disease conclusively. Therefore, this variant is classified as a Variant of Uncertain Significance.